The following is an entry in ClinVar:

ClinVar aggregate classification (germline): Benign. Review status: criteria provided, single submitter (1 of 4 stars). 2 submissions from 2 submitters: Benign (1). 1 of the submissions does not count toward it. Last evaluated 2025-02-03.

Conditions:
GTPBP2-related disorder. Also called: GTPBP2-related condition.

Allele frequency attached by ClinVar (database versions not stated): gnomAD 0.00006; gnomAD exomes 0.00008; TOPMed 0.00015; ExAC 0.00037.

Submissions (2):

Labcorp Genetics (formerly Invitae), Labcorp
Classification: Benign. Last evaluated: 2025-02-03. Review status: criteria provided, single submitter. Criteria: Invitae Variant Classification Sherloc (09022015). Collection method: clinical testing. Allele origin: germline.

PreventionGenetics, part of Exact Sciences
Classification: Likely benign for GTPBP2-related condition. Last evaluated: 2022-04-21. Review status: no assertion criteria provided. Collection method: clinical testing. Allele origin: germline. Not counted in ClinVar's aggregate classification.
Comment: This variant is classified as likely benign based on ACMG/AMP sequence variant interpretation guidelines (Richards et al. 2015 PMID: 25741868, with internal and published modifications).

NM_019096.5(GTPBP2):c.1673G>A (p.Arg558His)

Gene: GTPBP2 (GTP binding protein 2; minus strand). Cytogenetic location: 6p21.1.
Variant type: single nucleotide variant.
Coding change: c.1673G>A on transcript NM_019096.5 (MANE Select); coding-DNA position 1673, G replaced by A.
Protein change: p.Arg558His; replaces arginine 558 with histidine.
Molecular consequence: missense variant.
Genome position (GRCh38, 1-based): chr6:43,621,750, C>T on the plus strand (G>A on the coding strand, the complement: GTPBP2 is on the minus strand). VCF-style: chr6-43621750-C-T. GRCh37 (hg19) VCF-style: chr6-43589487-C-T.
Other names: c.1409G>A, p.Arg470His (NM_001286216.2); short protein forms R470H, R558H.
Identifiers: ClinVar variation 2064413 (VCV002064413.6), dbSNP rs779516570, ClinGen allele CA3827465.